The following is an entry in ClinVar:

ClinVar aggregate classification (germline): Uncertain significance (1 of 4 stars; one submission).

Submission:

Labcorp Genetics (formerly Invitae), Labcorp
Classification: Uncertain significance. Last evaluated: 2025-12-21. Review status: criteria provided, single submitter. Criteria: Invitae Variant Classification Sherloc (09022015). Collection method: clinical testing. Allele origin: germline.
Comment: This sequence change falls in intron 31 of the A2ML1 gene. It does not directly change the encoded amino acid sequence of the A2ML1 protein. It affects a nucleotide within the consensus splice site. This variant is not present in population databases (gnomAD no frequency). This variant has not been reported in the literature in individuals affected with A2ML1-related conditions. Variants that disrupt the consensus splice site are a relatively common cause of aberrant splicing (PMID: 17576681, 9536098). Algorithms developed to predict the effect of sequence changes on RNA splicing suggest that this variant may disrupt the consensus splice site. In summary, the available evidence is currently insufficient to determine the role of this variant in disease. Therefore, it has been classified as a Variant of Uncertain Significance.

Literature cited by the submitters: PubMed 17576681; PubMed 9536098.

NM_144670.6(A2ML1):c.4061+6T>A

Gene: A2ML1 (alpha-2-macroglobulin like 1; plus strand). Cytogenetic location: 12p13.31.
Variant type: single nucleotide variant.
Coding change: c.4061+6T>A on transcript NM_144670.6 (MANE Select); 6 bases into the intron after coding-DNA position 4061, T replaced by A.
Molecular consequence: intron variant.
Genome position (GRCh38, 1-based): chr12:8,868,363, T>A. VCF-style: chr12-8868363-T-A. GRCh37 (hg19) VCF-style: chr12-9020959-T-A.
Other names: c.2588+6T>A (NM_001282424.3).
Identifiers: ClinVar variation 4720757 (VCV004720757.1).